The following is an entry in ClinVar:

NM_000044.6(AR):c.2225G>T (p.Trp742Leu)

Gene: AR (androgen receptor; plus strand). Cytogenetic location: Xq12.
Variant type: single nucleotide variant.
Coding change: c.2225G>T on transcript NM_000044.6 (MANE Select); coding-DNA position 2225, G replaced by T.
Protein change: p.Trp742Leu; replaces tryptophan 742 with leucine.
Molecular consequence: missense variant.
Genome position (GRCh38, 1-based): chrX:67,717,529, G>T. VCF-style: chrX-67717529-G-T. GRCh37 (hg19) VCF-style: chrX-66937371-G-T.
Other names: c.629G>T, p.Trp210Leu (NM_001011645.3); short protein forms W210L, W742L.
Identifiers: ClinVar variation 1068775 (VCV001068775.9), dbSNP rs2076118553, ClinGen allele CA413424520.

ClinVar aggregate classification (germline): Pathogenic (1 of 4 stars; one submission).

Conditions:
Androgen resistance syndrome (AIS). Also called: ANDROGEN RECEPTOR DEFICIENCY; DIHYDROTESTOSTERONE RECEPTOR DEFICIENCY; TESTICULAR FEMINIZATION SYNDROME; Androgen insensitivity syndrome; Androgen insensitivity, complete; DHTR DEFICIENCY. Identifiers: Orphanet 754, Orphanet 99429, MedGen C0039585, MONDO:0019154, OMIM 300068. Disease mechanism: loss of function.
Kennedy disease (SMAX1). Also called: KENNEDY SPINAL AND BULBAR MUSCULAR ATROPHY; Spinal and Bulbar Muscular Atrophy; SPINAL AND BULBAR MUSCULAR ATROPHY, X-LINKED 1. Identifiers: Orphanet 481, MedGen C1839259, MONDO:0010735, OMIM 313200.

Submission:

Labcorp Genetics (formerly Invitae), Labcorp
Classification: Pathogenic for Kennedy disease; Androgen resistance syndrome. Last evaluated: 2024-03-19. Review status: criteria provided, single submitter. Criteria: Invitae Variant Classification Sherloc (09022015). Collection method: clinical testing. Allele origin: germline.
Comment: This sequence change replaces tryptophan, which is neutral and slightly polar, with leucine, which is neutral and non-polar, at codon 742 of the AR protein (p.Trp742Leu). This variant is not present in population databases (gnomAD no frequency). This missense change has been observed in individual(s) with complete androgen insensitivity syndrome (PMID: 11788645, 18710728). ClinVar contains an entry for this variant (Variation ID: 1068775). Advanced modeling of protein sequence and biophysical properties (such as structural, functional, and spatial information, amino acid conservation, physicochemical variation, residue mobility, and thermodynamic stability) has been performed at Invitae for this missense variant, however the output from this modeling did not meet the statistical confidence thresholds required to predict the impact of this variant on AR protein function. Experimental studies have shown that this missense change affects AR function (PMID: 26813233). For these reasons, this variant has been classified as Pathogenic.

Literature cited by the submitters: PubMed 11788645; PubMed 18710728; PubMed 26813233.